The following is an entry in ClinVar:

NM_016335.6(PRODH):c.1104+2T>C

Gene: PRODH (proline dehydrogenase 1; minus strand). Cytogenetic location: 22q11.21.
Variant type: single nucleotide variant.
Coding change: c.1104+2T>C on transcript NM_016335.6 (MANE Select); the canonical splice donor site of the intron after coding-DNA position 1104, T replaced by C.
Molecular consequence: splice donor variant.
Genome position (GRCh38, 1-based): chr22:18,919,704, A>G on the plus strand (T>C on the coding strand, the complement: PRODH is on the minus strand). VCF-style: chr22-18919704-A-G. GRCh37 (hg19) VCF-style: chr22-18907217-A-G.
Other names: c.780+2T>C (NM_001195226.2, NM_001368250.2).
Identifiers: ClinVar variation 2201654 (VCV002201654.5), dbSNP rs2870997, ClinGen allele CA10095110.
Genomic context (GRCh38, chr22:18,919,704, plus strand): 5'-TGAGGCAGGTGCCCTCTTCTCCACGAGTCCCAGGTACCCTCTGCCCGAGCGGGACAGCTC[A>G]CCTTGGCCAGGACATCCATCCGCTGTAGCATCCTGGTCATCTGTAGCTCCTCCTCCTCAG-3'

ClinVar aggregate classification (germline): Likely pathogenic. Review status: criteria provided, multiple submitters, no conflicts (2 of 4 stars). 2 submissions from 2 submitters: Likely pathogenic (2). Last evaluated 2024-10-15.

Conditions:
Schizophrenia 4 (SCZD4). Also called: SCHIZOPHRENIA SUSCEPTIBILITY LOCUS, CHROMOSOME 22q11-RELATED; SCHIZOPHRENIA, SUSCEPTIBILITY TO, 4. Identifiers: MedGen C1833247, MONDO:0010943, OMIM 600850.
Proline dehydrogenase deficiency (HYRPRO1). Also called: PROLINE OXIDASE DEFICIENCY; Hyperprolinemia type 1. Identifiers: Orphanet 419, MedGen C0268529, MONDO:0009400, OMIM 239500.

Allele frequency attached by ClinVar (database versions not stated): ExAC 0.00002.

Submissions (2):

Labcorp Genetics (formerly Invitae), Labcorp
Classification: Likely pathogenic for Proline dehydrogenase deficiency. Last evaluated: 2024-10-15. Review status: criteria provided, single submitter. Criteria: Invitae Variant Classification Sherloc (09022015). Collection method: clinical testing. Allele origin: germline.
Comment: This sequence change affects a donor splice site in intron 10 of the PRODH gene. It is expected to disrupt RNA splicing. Variants that disrupt the donor or acceptor splice site typically lead to a loss of protein function (PMID: 16199547), and loss-of-function variants in PRODH are known to be pathogenic (PMID: 12525555, 15662599, 19736351). This variant is present in population databases (rs2870997, gnomAD 0.003%). This variant has not been reported in the literature in individuals affected with PRODH-related conditions. ClinVar contains an entry for this variant (Variation ID: 2201654). Algorithms developed to predict the effect of sequence changes on RNA splicing suggest that this variant may disrupt the consensus splice site. In summary, the currently available evidence indicates that the variant is pathogenic, but additional data are needed to prove that conclusively. Therefore, this variant has been classified as Likely Pathogenic.

Fulgent Genetics
Classification: Likely pathogenic for Proline dehydrogenase deficiency; Schizophrenia 4. Last evaluated: 2023-12-29. Review status: criteria provided, single submitter. Criteria: ACMG Guidelines, 2015. Collection method: clinical testing. Allele origin: germline.

Literature cited by the submitters: PubMed 16199547 (cited by Labcorp Genetics (formerly Invitae), Labcorp); PubMed 12525555 (cited by Labcorp Genetics (formerly Invitae), Labcorp); PubMed 15662599 (cited by Labcorp Genetics (formerly Invitae), Labcorp); PubMed 19736351 (cited by Labcorp Genetics (formerly Invitae), Labcorp).